The following is an entry in ClinVar:

ClinVar aggregate classification (germline): Uncertain significance (1 of 4 stars; one submission).

Conditions:
Combined immunodeficiency due to DOCK8 deficiency (HIES2). Also called: HIES autosomal recessive; DOCK8 Deficiency; Hyper-IgE recurrent infection syndrome, autosomal recessive; HYPER-IgE RECURRENT INFECTION SYNDROME 2, AUTOSOMAL RECESSIVE; HYPER-IgE SYNDROME 2, AUTOSOMAL RECESSIVE, WITH RECURRENT INFECTIONS. Identifiers: Orphanet 217390, MedGen C4722305, MONDO:0009478, OMIM 243700.

Allele frequency attached by ClinVar (database versions not stated): gnomAD exomes below 0.00001; TOPMed 0.00001.
gnomAD v4.1: 3 of 1,614,170 alleles (0.00019%); highest among the groups gnomAD compares: Non-Finnish European, 0.00017%; no homozygotes.

Submission:

Labcorp Genetics (formerly Invitae), Labcorp
Classification: Uncertain significance for Combined immunodeficiency due to DOCK8 deficiency. Last evaluated: 2022-02-03. Review status: criteria provided, single submitter. Criteria: Invitae Variant Classification Sherloc (09022015). Collection method: clinical testing. Allele origin: germline.
Comment: In summary, the available evidence is currently insufficient to determine the role of this variant in disease. Therefore, it has been classified as a Variant of Uncertain Significance. Algorithms developed to predict the effect of missense changes on protein structure and function are either unavailable or do not agree on the potential impact of this missense change (SIFT: "Deleterious"; PolyPhen-2: "Benign"; Align-GVGD: "Class C15"). ClinVar contains an entry for this variant (Variation ID: 960306). This variant has not been reported in the literature in individuals affected with DOCK8-related conditions. This variant is not present in population databases (gnomAD no frequency). This sequence change replaces serine, which is neutral and polar, with cysteine, which is neutral and slightly polar, at codon 1151 of the DOCK8 protein (p.Ser1151Cys).

NM_203447.4(DOCK8):c.3452C>G (p.Ser1151Cys)

Gene: DOCK8 (dedicator of cytokinesis 8; plus strand). Cytogenetic location: 9p24.3.
Variant type: single nucleotide variant.
Coding change: c.3452C>G on transcript NM_203447.4 (MANE Select); coding-DNA position 3452, C replaced by G.
Protein change: p.Ser1151Cys; replaces serine 1151 with cysteine.
Molecular consequence: missense variant.
Genome position (GRCh38, 1-based): chr9:406,991, C>G. VCF-style: chr9-406991-C-G. GRCh37 (hg19) VCF-style: chr9-406991-C-G.
Other names: c.3152C>G, p.Ser1051Cys (NM_001190458.2); c.3248C>G, p.Ser1083Cys (NM_001193536.2); short protein forms S1051C, S1151C, S1083C.
Identifiers: ClinVar variation 960306 (VCV000960306.10), dbSNP rs2055456886, ClinGen allele CA372758437.
Genomic context (GRCh38, chr9:406,991, plus strand): 5'-ACTCAAGCTCCTGCTCCAGCTTCCAGGACCAGAAGATCGCCAGCATGTTCGATCTGACTT[C>G]CGAGTACCGCCAGCAGCACTTCCTCACCGGGCTCCTCTTCACAGAACTGGCTGCTGCCCT-3'
Protein context (NP_982272.2, residues 1141-1161): QKIASMFDLT[Ser1151Cys]EYRQQHFLTG